The following is an entry in ClinVar:

ClinVar aggregate classification (germline): Uncertain significance. Review status: criteria provided, multiple submitters, no conflicts (2 of 4 stars). 2 submissions from 2 submitters: Uncertain significance (2). Last evaluated 2025-11-26.

Conditions:
Atrial fibrillation, familial, 7 (ATFB7). Identifiers: MedGen C2677106, MONDO:0012828, OMIM 612240.
Inborn genetic diseases. Identifiers: MedGen C0950123, MeSH D030342.

Allele frequency attached by ClinVar (database versions not stated): TOPMed below 0.00001.

Submissions (2):

Ambry Genetics
Classification: Uncertain significance for Inborn genetic diseases. Last evaluated: 2025-11-26. Review status: criteria provided, single submitter. Criteria: Ambry Variant Classification Scheme 2023. Collection method: clinical testing. Allele origin: germline.

Labcorp Genetics (formerly Invitae), Labcorp
Classification: Uncertain significance for Atrial fibrillation, familial, 7. Last evaluated: 2024-04-10. Review status: criteria provided, single submitter. Criteria: Invitae Variant Classification Sherloc (09022015). Collection method: clinical testing. Allele origin: germline.
Comment: This sequence change replaces threonine, which is neutral and polar, with lysine, which is basic and polar, at codon 39 of the KCNA5 protein (p.Thr39Lys). The frequency data for this variant in the population databases is considered unreliable, as metrics indicate poor data quality at this position in the gnomAD database. This variant has not been reported in the literature in individuals affected with KCNA5-related conditions. An algorithm developed to predict the effect of missense changes on protein structure and function (PolyPhen-2) suggests that this variant is likely to be disruptive. In summary, the available evidence is currently insufficient to determine the role of this variant in disease. Therefore, it has been classified as a Variant of Uncertain Significance.

NM_002234.4(KCNA5):c.116C>A (p.Thr39Lys)

Gene: KCNA5 (potassium voltage-gated channel subfamily A member 5; plus strand). Cytogenetic location: 12p13.32.
Variant type: single nucleotide variant.
Coding change: c.116C>A on transcript NM_002234.4 (MANE Select); coding-DNA position 116, C replaced by A.
Protein change: p.Thr39Lys; replaces threonine 39 with lysine.
Molecular consequence: missense variant.
Genome position (GRCh38, 1-based): chr12:5,044,263, C>A. VCF-style: chr12-5044263-C-A. GRCh37 (hg19) VCF-style: chr12-5153429-C-A.
Other names: c.116C>A (NM_002234.2); short protein forms T39K.
Identifiers: ClinVar variation 2726507 (VCV002726507.4), dbSNP rs1215071064, ClinGen allele CA383461928.